The following is an entry in ClinVar:

NM_001164508.2(NEB):c.6808-5T>C

Gene: NEB (nebulin; minus strand). Cytogenetic location: 2q23.3.
Variant type: single nucleotide variant.
Coding change: c.6808-5T>C on transcript NM_001164508.2 (MANE Select); 5 bases into the intron before coding-DNA position 6808, T replaced by C.
Molecular consequence: intron variant.
Genome position (GRCh38, 1-based): chr2:151,654,104, A>G on the plus strand (T>C on the coding strand, the complement: NEB is on the minus strand). VCF-style: chr2-151654104-A-G. GRCh37 (hg19) VCF-style: chr2-152510618-A-G.
Other names: c.6808-5T>C (NM_004543.5, NM_001164507.2, NM_001271208.2).
Identifiers: ClinVar variation 1392434 (VCV001392434.6), dbSNP rs887525004, ClinGen allele CA57635085.

ClinVar aggregate classification (germline): Uncertain significance. Review status: criteria provided, multiple submitters, no conflicts (2 of 4 stars). 2 submissions from 2 submitters: Uncertain significance (2). Last evaluated 2026-03-20.

Conditions:
Nemaline myopathy 2 (NEM2). Also called: Nemaline myopathy 2, autosomal recessive. Identifiers: MedGen C1850569, MONDO:0009725, OMIM 256030.

Allele frequency attached by ClinVar (database versions not stated): gnomAD exomes below 0.00001; TOPMed below 0.00001; gnomAD 0.00001.
gnomAD v4.1: 6 of 1,572,602 alleles (0.00038%); highest among the groups gnomAD compares: Non-Finnish European, 0.00052%; no homozygotes.

Submissions (2):

GeneDx
Classification: Uncertain significance. Last evaluated: 2026-03-20. Review status: criteria provided, single submitter. Criteria: GeneDx Variant Classification Process June 2021. Collection method: clinical testing. Allele origin: germline.
Comment: Not observed at significant frequency in large population cohorts (gnomAD); In silico analysis supports a deleterious effect on splicing; Has not been previously published as pathogenic or benign to our knowledge

Labcorp Genetics (formerly Invitae), Labcorp
Classification: Uncertain significance for Nemaline myopathy 2. Last evaluated: 2021-08-31. Review status: criteria provided, single submitter. Criteria: Invitae Variant Classification Sherloc (09022015). Collection method: clinical testing. Allele origin: germline.
Comment: This sequence change falls in intron 51 of the NEB gene. It does not directly change the encoded amino acid sequence of the NEB protein. This variant is not present in population databases (ExAC no frequency). This variant has not been reported in the literature in individuals affected with NEB-related conditions. Algorithms developed to predict the effect of sequence changes on RNA splicing suggest that this variant may disrupt the consensus splice site. In summary, the available evidence is currently insufficient to determine the role of this variant in disease. Therefore, it has been classified as a Variant of Uncertain Significance.